The following is an entry in ClinVar:

ClinVar aggregate classification (germline): Uncertain significance. Review status: criteria provided, multiple submitters, no conflicts (2 of 4 stars). 2 submissions from 2 submitters: Uncertain significance (2). Last evaluated 2025-04-28.

Allele frequency attached by ClinVar (database versions not stated): TOPMed below 0.00001.

Submissions (2):

Labcorp Genetics (formerly Invitae), Labcorp
Classification: Uncertain significance. Last evaluated: 2025-04-28. Review status: criteria provided, single submitter. Criteria: Invitae Variant Classification Sherloc (09022015). Collection method: clinical testing. Allele origin: germline.
Comment: This sequence change replaces leucine, which is neutral and non-polar, with isoleucine, which is neutral and non-polar, at codon 296 of the SEPT9 protein (p.Leu296Ile). This variant is not present in population databases (gnomAD no frequency). This variant has not been reported in the literature in individuals affected with SEPT9-related conditions. ClinVar contains an entry for this variant (Variation ID: 2445565). Invitae Evidence Modeling of protein sequence and biophysical properties (such as structural, functional, and spatial information, amino acid conservation, physicochemical variation, residue mobility, and thermodynamic stability) indicates that this missense variant is expected to disrupt SEPT9 protein function with a positive predictive value of 80%. In summary, the available evidence is currently insufficient to determine the role of this variant in disease. Therefore, it has been classified as a Variant of Uncertain Significance.

Mayo Clinic Laboratories, Mayo Clinic
Classification: Uncertain significance. Last evaluated: 2025-04-09. Review status: criteria provided, single submitter. Criteria: ACMG Guidelines, 2015. Collection method: clinical testing. Allele origin: germline. Observed: 1 variant allele.

NM_001113491.2(SEPTIN9):c.940T>A (p.Leu314Ile)

Gene: SEPTIN9 (septin 9; plus strand). Cytogenetic location: 17q25.3.
Variant type: single nucleotide variant.
Coding change: c.940T>A on transcript NM_001113491.2 (MANE Select); coding-DNA position 940, T replaced by A.
Protein change: p.Leu314Ile; replaces leucine 314 with isoleucine.
Molecular consequence: missense variant.
Genome position (GRCh38, 1-based): chr17:77,487,450, T>A. VCF-style: chr17-77487450-T-A. GRCh37 (hg19) VCF-style: chr17-75483532-T-A.
Other names: p.Leu296Ile; c.448T>A, p.Leu150Ile (NM_001113492.2, NM_001113494.1); c.919T>A, p.Leu307Ile (NM_001113493.2); c.187T>A, p.Leu63Ile (NM_001113495.2, NM_001113496.2, NM_001293697.2 and 1 more transcripts); c.883T>A, p.Leu295Ile (NM_001293695.2); c.268T>A, p.Leu90Ile (NM_001293696.2); c.886T>A, p.Leu296Ile (NM_006640.5); c.886T>A (NM_006640.4); short protein forms L150I, L295I, L296I, L307I, L314I, L63I, L90I.
Identifiers: ClinVar variation 2445565 (VCV002445565.5), dbSNP rs993193433, ClinGen allele CA294294959.